The following is an entry in ClinVar:

ClinVar aggregate classification (germline): Uncertain significance (1 of 4 stars; one submission).

Conditions:
Dilated cardiomyopathy 1JJ (CMD1JJ). Identifiers: Orphanet 154, MedGen C3808935, MONDO:0014095, OMIM 615235.

Allele frequency attached by ClinVar (database versions not stated): gnomAD exomes below 0.00001; TOPMed below 0.00001; ExAC 0.00001; gnomAD 0.00001.

Submission:

Labcorp Genetics (formerly Invitae), Labcorp
Classification: Uncertain significance for Dilated cardiomyopathy 1JJ. Last evaluated: 2024-01-13. Review status: criteria provided, single submitter. Criteria: Invitae Variant Classification Sherloc (09022015). Collection method: clinical testing. Allele origin: germline.
Comment: This sequence change replaces valine, which is neutral and non-polar, with methionine, which is neutral and non-polar, at codon 522 of the LAMA4 protein (p.Val522Met). This variant is present in population databases (rs781967664, gnomAD 0.01%). This variant has not been reported in the literature in individuals affected with LAMA4-related conditions. An algorithm developed to predict the effect of missense changes on protein structure and function (PolyPhen-2) suggests that this variant is likely to be tolerated. In summary, the available evidence is currently insufficient to determine the role of this variant in disease. Therefore, it has been classified as a Variant of Uncertain Significance.

NM_001105206.3(LAMA4):c.1585G>A (p.Val529Met)

Gene: LAMA4 (laminin subunit alpha 4; minus strand). Cytogenetic location: 6q21.
Variant type: single nucleotide variant.
Coding change: c.1585G>A on transcript NM_001105206.3 (MANE Select); coding-DNA position 1585, G replaced by A.
Protein change: p.Val529Met; replaces valine 529 with methionine.
Molecular consequence: missense variant.
Genome position (GRCh38, 1-based): chr6:112,165,243, C>T on the plus strand (G>A on the coding strand, the complement: LAMA4 is on the minus strand). VCF-style: chr6-112165243-C-T. GRCh37 (hg19) VCF-style: chr6-112486445-C-T.
Other names: c.1564G>A, p.Val522Met (NM_001105207.3, NM_002290.5); short protein forms V529M, V522M.
Identifiers: ClinVar variation 3014280 (VCV003014280.3), dbSNP rs781967664, ClinGen allele CA3965728.